The following is an entry in ClinVar:

ClinVar aggregate classification (germline): Uncertain significance (1 of 4 stars; one submission).

Submission:

CeGaT Center for Human Genetics Tuebingen
Classification: Uncertain significance. Last evaluated: 2025-09-01. Review status: criteria provided, single submitter. Criteria: CeGaT Center For Human Genetics Tuebingen Variant Classification Criteria Version 2. Collection method: clinical testing. Allele origin: germline. Affected: yes. Observed: 1 variant allele.
Comment: TRPM4: PM2, BP4

NM_017636.4(TRPM4):c.538G>T (p.Gly180Cys)

Gene: TRPM4 (transient receptor potential cation channel subfamily M member 4; plus strand). Cytogenetic location: 19q13.33.
Variant type: single nucleotide variant.
Coding change: c.538G>T on transcript NM_017636.4 (MANE Select); coding-DNA position 538, G replaced by T.
Protein change: p.Gly180Cys; replaces glycine 180 with cysteine.
Molecular consequence: missense variant. On other transcripts: 5 prime UTR variant (1), intron variant (2).
Genome position (GRCh38, 1-based): chr19:49,168,349, G>T. VCF-style: chr19-49168349-G-T. GRCh37 (hg19) VCF-style: chr19-49671606-G-T.
Other names: c.538G>T, p.Gly180Cys (NM_001195227.2); c.-1016G>T (NM_001321282.2); c.16G>T, p.Gly6Cys (NM_001321283.2); c.268-204G>T (NM_001321281.2); c.-237-204G>T (NM_001321285.2); short protein forms G180C, G6C.
Identifiers: ClinVar variation 4281430 (VCV004281430.7).